The following is an entry in ClinVar:

ClinVar aggregate classification (germline): Pathogenic/Likely pathogenic. Review status: criteria provided, multiple submitters, no conflicts (2 of 4 stars). 2 submissions from 2 submitters: Pathogenic (1); Likely pathogenic (1). Last evaluated 2025-12-18.

Conditions:
Congenital contractures of the limbs and face, hypotonia, and developmental delay (CLIFAHDD). Identifiers: Orphanet 562528, MedGen C4225398, MONDO:0014556, OMIM 616266.

Submissions (2):

Equipe Genetique des Anomalies du Developpement, Université de Bourgogne
Classification: Likely pathogenic for Congenital contractures of the limbs and face, hypotonia, and developmental delay. Last evaluated: 2025-12-18. Review status: criteria provided, single submitter. Criteria: ACMG Guidelines, 2015. Collection method: clinical testing. Allele origin: de novo. Affected: yes.

GeneDx
Classification: Pathogenic. Last evaluated: 2023-10-16. Review status: criteria provided, single submitter. Criteria: GeneDx Variant Classification Process June 2021. Collection method: clinical testing. Allele origin: germline. Affected: yes.
Comment: In silico analysis supports that this missense variant has a deleterious effect on protein structure/function; Not observed at significant frequency in large population cohorts (gnomAD); Has not been previously published as pathogenic or benign to our knowledge

NM_052867.4(NALCN):c.518G>C (p.Arg173Pro)

Gene: NALCN (sodium leak channel, non-selective; minus strand). Cytogenetic location: 13q33.1.
Variant type: single nucleotide variant.
Coding change: c.518G>C on transcript NM_052867.4 (MANE Select); coding-DNA position 518, G replaced by C.
Protein change: p.Arg173Pro; replaces arginine 173 with proline.
Molecular consequence: missense variant.
Genome position (GRCh38, 1-based): chr13:101,376,826, C>G on the plus strand (G>C on the coding strand, the complement: NALCN is on the minus strand). VCF-style: chr13-101376826-C-G. GRCh37 (hg19) VCF-style: chr13-102029177-C-G.
Other names: c.518G>C, p.Arg173Pro (NM_001350748.2, NM_001350749.2, NM_001350750.2 and 1 more transcripts); short protein forms R173P.
Identifiers: ClinVar variation 2578322 (VCV002578322.3), dbSNP rs2548588794, ClinGen allele CA388705529.